The following is an entry in ClinVar:

NM_001145196.1(SPATA31A6):c.2565G>T (p.Met855Ile)

Gene: SPATA31A6 (SPATA31 subfamily A member 6; plus strand). Cytogenetic location: 9p11.2.
Variant type: single nucleotide variant.
Coding change: c.2565G>T on transcript NM_001145196.1 (MANE Select); coding-DNA position 2565, G replaced by T.
Protein change: p.Met855Ile; replaces methionine 855 with isoleucine.
Molecular consequence: missense variant.
Genome position (GRCh38, 1-based): chr9:42,188,267, G>T. VCF-style: chr9-42188267-G-T. GRCh37 (hg19) VCF-style: chr9-43626122-C-A.
Other names: short protein forms M855I.
Identifiers: ClinVar variation 4864984 (VCV004864984.1).

ClinVar aggregate classification (germline): Uncertain significance (1 of 4 stars; one submission).

Submission:

Ambry Genetics
Classification: Uncertain significance. Last evaluated: 2026-04-22. Review status: criteria provided, single submitter. Criteria: Ambry Variant Classification Scheme 2023. Collection method: clinical testing. Allele origin: germline.
Comment: The c.2565G>T (p.M855I) alteration is located in exon 4 (coding exon 4) of the SPATA31A6 gene. This alteration results from a G to T substitution at nucleotide position 2565, causing the methionine (M) at amino acid position 855 to be replaced by an isoleucine (I). Based on data from gnomAD, the T allele has an overall frequency of 0.005% (1/19454) total alleles studied. The highest observed frequency was 0.013% (1/7442) of European (non-Finnish) alleles. Based on insufficient or conflicting evidence, the clinical significance of this alteration remains unclear.